The following is an entry in ClinVar:

ClinVar aggregate classification (germline): Uncertain significance (1 of 4 stars; one submission).

Conditions:
Cardiovascular phenotype. Identifiers: MedGen CN230736.

Submission:

Ambry Genetics
Classification: Uncertain significance for Cardiovascular phenotype. Last evaluated: 2026-09-02. Review status: criteria provided, single submitter. Criteria: Ambry Variant Classification Scheme 2023. Collection method: clinical testing. Allele origin: germline.
Comment: The c.1686+2dupT intronic variant results from a duplication of a T nucleotide two nucleotide positions after coding exon 1686 after intron 12 of the ENG gene. This variant was reported in individual(s) with features consistent with ENG-related hereditary hemorrhagic telangiectasia (Ambry internal data). This nucleotide position is highly conserved in available vertebrate species. In silico splice site analysis predicts that this alteration will weaken the native splice donor site and may result in the creation or strengthening of a novel splice donor site. Based on the available evidence, the clinical significance of this variant remains unclear.

NM_001114753.3(ENG):c.1686+2dup

Genes: ENG (endoglin; minus strand), LOC102723566 (uncharacterized LOC102723566; plus strand). Cytogenetic location: 9q34.11.
Variant type: Duplication.
Coding change: c.1686+2dup on transcript NM_001114753.3 (MANE Select); the canonical splice donor site of the intron after coding-DNA position 1686, one base duplicated (T; older notation c.1686+2dupT).
Molecular consequence: splice donor variant.
Genome position (GRCh38, 1-based): chr9:127,818,118, A duplicated on the plus strand (T on the coding strand, the reverse complement: ENG is on the minus strand). VCF-style (leftmost placement, unchanged base first): chr9-127818117-C-CA. GRCh37 (hg19) VCF-style: chr9-130580396-C-CA.
Other names: c.1686+2dup (NM_000118.4); c.1140+2dup (NM_001278138.2).
Identifiers: ClinVar variation 5035987 (VCV005035987.1).